The following is an entry in ClinVar:

NM_078470.6(COX15):c.332C>G (p.Pro111Arg)

Gene: COX15 (cytochrome c oxidase assembly homolog COX15; minus strand). Cytogenetic location: 10q24.2.
Variant type: single nucleotide variant.
Coding change: c.332C>G on transcript NM_078470.6 (MANE Select); coding-DNA position 332, C replaced by G.
Protein change: p.Pro111Arg; replaces proline 111 with arginine.
Molecular consequence: missense variant. On other transcripts: 5 prime UTR variant (1), non-coding transcript variant (1).
Genome position (GRCh38, 1-based): chr10:99,727,504, G>C on the plus strand (C>G on the coding strand, the complement: COX15 is on the minus strand). VCF-style: chr10-99727504-G-C. GRCh37 (hg19) VCF-style: chr10-101487261-G-C.
Other names: c.332C>G, p.Pro111Arg (NM_001320974.2, NM_001320975.2, NM_001372024.1 and 5 more transcripts); c.-123C>G (NM_001320976.2); short protein forms P111R.
Identifiers: ClinVar variation 2194341 (VCV002194341.1), dbSNP rs779569325, ClinGen allele CA5642297.

ClinVar aggregate classification (germline): Uncertain significance (1 of 4 stars; one submission).

Allele frequency attached by ClinVar (database versions not stated): gnomAD exomes 0.00001; TOPMed 0.00001; ExAC 0.00002.
gnomAD v4.1: 13 of 1,613,796 alleles (0.00081%); highest among the groups gnomAD compares: Admixed American, 0.018%; no homozygotes.

Submission:

Labcorp Genetics (formerly Invitae), Labcorp
Classification: Uncertain significance. Last evaluated: 2022-08-02. Review status: criteria provided, single submitter. Criteria: Invitae Variant Classification Sherloc (09022015). Collection method: clinical testing. Allele origin: germline.
Comment: This sequence change replaces proline, which is neutral and non-polar, with arginine, which is basic and polar, at codon 111 of the COX15 protein (p.Pro111Arg). This variant is present in population databases (rs779569325, gnomAD 0.03%). This variant has not been reported in the literature in individuals affected with COX15-related conditions. Algorithms developed to predict the effect of missense changes on protein structure and function are either unavailable or do not agree on the potential impact of this missense change (SIFT: "Not Available"; PolyPhen-2: "Probably Damaging"; Align-GVGD: "Not Available"). In summary, the available evidence is currently insufficient to determine the role of this variant in disease. Therefore, it has been classified as a Variant of Uncertain Significance.